The following is an entry in ClinVar:

ClinVar aggregate classification (germline): Pathogenic (1 of 4 stars; one submission).

Conditions:
Cystinuria (CSNU). Also called: CYSTINURIA, TYPE I; CYSTINURIA, TYPE II; CYSTINURIA, TYPE III; Cystinuria, non-type I. Identifiers: Orphanet 214, MedGen C0010691, MONDO:0009067, OMIM 220100, HP:0003131.

Submission:

Labcorp Genetics (formerly Invitae), Labcorp
Classification: Pathogenic for Cystinuria. Last evaluated: 2020-05-21. Review status: criteria provided, single submitter. Criteria: Invitae Variant Classification Sherloc (09022015). Collection method: clinical testing. Allele origin: germline.
Comment: This variant results in a copy number gain of the genomic region encompassing exons 5-9 of the SLC3A1 gene. While the exact position of this variant cannot be determined from this data, sub-genic copy number gains are generally in tandem (PMID: 25640679). This variant would be expected to be in-frame, preserving the integrity of the reading frame. This variant has been observed in several individuals affected with cystinuria (PMID: 14531788, Invitae). For these reasons, this variant has been classified as Pathogenic.

Literature cited by the submitters: PubMed 25640679; PubMed 14531788.

NC_000002.11:g.(?_44527110)_(44545243_?)dup

Genes: PREPL (prolyl endopeptidase like; minus strand), SLC3A1 (solute carrier family 3 member 1; plus strand). Cytogenetic location: 2p21.
Variant type: Duplication.
Identifiers: ClinVar variation 1073068 (VCV001073068.1).